The following is an entry in ClinVar:

ClinVar aggregate classification (germline): Uncertain significance (1 of 4 stars; one submission).

Submission:

Labcorp Genetics (formerly Invitae), Labcorp
Classification: Uncertain significance. Last evaluated: 2025-10-24. Review status: criteria provided, single submitter. Criteria: Invitae Variant Classification Sherloc (09022015). Collection method: clinical testing. Allele origin: germline.
Comment: This variant results in the deletion of part of exon 5 (c.347-1_357del) of the RPL31 gene. It is expected to disrupt RNA splicing. Variants that disrupt the donor or acceptor splice site typically lead to a loss of protein function (PMID: 16199547), however the current clinical and genetic evidence is not sufficient to establish whether loss-of-function variants in RPL31 cause disease. The frequency data for this variant in the population databases is considered unreliable, as metrics indicate poor data quality at this position in the gnomAD database. This variant has not been reported in the literature in individuals affected with RPL31-related conditions. ClinVar contains an entry for this variant (Variation ID: 2784319). In summary, the available evidence is currently insufficient to determine the role of this variant in disease. Therefore, it has been classified as a Variant of Uncertain Significance.

Literature cited by the submitters: PubMed 16199547.

NM_001098577.3(RPL31):c.347-1_357del

Genes: RPL31 (ribosomal protein L31; plus strand), TBC1D8 (TBC1 domain family member 8; minus strand). Cytogenetic location: 2q11.2.
Variant type: Deletion.
Coding change: c.347-1_357del on transcript NM_001098577.3; the canonical splice acceptor site of the intron before coding-DNA position 347 through coding-DNA position 357, 12 bases deleted (GTTTCTGTGCTA).
Molecular consequence: splice acceptor variant. On other transcripts: intron variant (2).
Genome position (GRCh38, 1-based): chr2:101,018,997-101,019,008, GTTTCTGTGCTA deleted; deleting any 12 consecutive bases within chr2:101,018,986-101,019,008 gives the same sequence; the c. name uses the placement nearest the transcript's 3' end. VCF-style (leftmost placement, unchanged base first): chr2-101018985-ATTTCTGTGCTAG-A. GRCh37 (hg19) VCF-style: chr2-101635447-ATTTCTGTGCTAG-A.
Other names: c.2782+2684_2782+2695del (NM_001102426.3); c.2827+2684_2827+2695del (NM_001330348.2).
Identifiers: ClinVar variation 2784319 (VCV002784319.3), dbSNP rs761982045, ClinGen allele CA534964962.